The following is an entry in ClinVar:

ClinVar aggregate classification (germline): Uncertain significance (1 of 4 stars; one submission).

Conditions:
Hypertrophic cardiomyopathy 26. Also called: Cardiomyopathy, familial hypertrophic, 26. Identifiers: Orphanet 75249, MedGen C4310749, MONDO:0014883, OMIM 617047.
Myofibrillar myopathy 5. Also called: Filaminopathy (type); FILAMINOPATHY, AUTOSOMAL DOMINANT. Identifiers: Orphanet 171445, MedGen C1836050, MONDO:0012289, OMIM 609524.
Distal myopathy with posterior leg and anterior hand involvement. Also called: WILLIAMS DISTAL MYOPATHY. Identifiers: Orphanet 63273, MedGen C3279722, MONDO:0013550, OMIM 614065.

Submission:

Labcorp Genetics (formerly Invitae), Labcorp
Classification: Uncertain significance for Distal myopathy with posterior leg and anterior hand involvement; Myofibrillar myopathy 5; Hypertrophic cardiomyopathy 26. Last evaluated: 2025-12-22. Review status: criteria provided, single submitter. Criteria: Invitae Variant Classification Sherloc (09022015). Collection method: clinical testing. Allele origin: germline.
Comment: This sequence change replaces asparagine, which is neutral and polar, with serine, which is neutral and polar, at codon 1817 of the FLNC protein (p.Asn1817Ser). This variant is not present in population databases (gnomAD no frequency). This variant has not been reported in the literature in individuals affected with FLNC-related conditions. Invitae Evidence Modeling of protein sequence and biophysical properties (such as structural, functional, and spatial information, amino acid conservation, physicochemical variation, residue mobility, and thermodynamic stability) has been performed for this missense variant. However, the output from this modeling did not meet the statistical confidence thresholds required to predict the impact of this variant on FLNC protein function. In summary, the available evidence is currently insufficient to determine the role of this variant in disease. Therefore, it has been classified as a Variant of Uncertain Significance.

NM_001458.5(FLNC):c.5450A>G (p.Asn1817Ser)

Genes: FLNC-AS1 (FLNC antisense RNA 1; minus strand), FLNC (filamin C; plus strand). Cytogenetic location: 7q32.1.
Variant type: single nucleotide variant.
Coding change: c.5450A>G on transcript NM_001458.5 (MANE Select); coding-DNA position 5450, A replaced by G.
Protein change: p.Asn1817Ser; replaces asparagine 1817 with serine.
Molecular consequence: missense variant.
Genome position (GRCh38, 1-based): chr7:128,850,854, A>G. VCF-style: chr7-128850854-A-G. GRCh37 (hg19) VCF-style: chr7-128490908-A-G.
Other names: c.5351A>G, p.Asn1784Ser (NM_001127487.2); short protein forms N1784S, N1817S.
Identifiers: ClinVar variation 4812427 (VCV004812427.1).